The following is an entry in ClinVar:

NM_001080449.3(DNA2):c.1954A>G (p.Thr652Ala)

Gene: DNA2 (DNA replication helicase/nuclease 2; minus strand). Cytogenetic location: 10q21.3.
Variant type: single nucleotide variant.
Coding change: c.1954A>G on transcript NM_001080449.3 (MANE Select); coding-DNA position 1954, A replaced by G.
Protein change: p.Thr652Ala; replaces threonine 652 with alanine.
Molecular consequence: missense variant. On other transcripts: non-coding transcript variant (1).
Genome position (GRCh38, 1-based): chr10:68,431,891, T>C on the plus strand (A>G on the coding strand, the complement: DNA2 is on the minus strand). VCF-style: chr10-68431891-T-C. GRCh37 (hg19) VCF-style: chr10-70191648-T-C.
Other names: short protein forms T652A.
Identifiers: ClinVar variation 3659444 (VCV003659444.2).
Genomic context (GRCh38, chr10:68,431,891, plus strand): 5'-TTGTCTCTAAGCAGAAGAATAATAACCTTACGAGAGTACATATCGTAGTTGTTTTTCCTG[T>C]CCCAGGCATACCCACGATGAGTGTGTAGTCTTTTGAAAGAAGTACCTTTTTCATCGCTTG-3'
Protein context (NP_001073918.2, residues 642-662): DYTLIVGMPG[Thr652Ala]GKTTTICTLV

ClinVar aggregate classification (germline): Uncertain significance (1 of 4 stars; one submission).

Submission:

Labcorp Genetics (formerly Invitae), Labcorp
Classification: Uncertain significance. Last evaluated: 2024-07-13. Review status: criteria provided, single submitter. Criteria: Invitae Variant Classification Sherloc (09022015). Collection method: clinical testing. Allele origin: germline.
Comment: This sequence change replaces threonine, which is neutral and polar, with alanine, which is neutral and non-polar, at codon 652 of the DNA2 protein (p.Thr652Ala). This variant is not present in population databases (gnomAD no frequency). This variant has not been reported in the literature in individuals affected with DNA2-related conditions. Advanced modeling of protein sequence and biophysical properties (such as structural, functional, and spatial information, amino acid conservation, physicochemical variation, residue mobility, and thermodynamic stability) performed at Invitae indicates that this missense variant is not expected to disrupt DNA2 protein function with a negative predictive value of 80%. Algorithms developed to predict the effect of sequence changes on RNA splicing suggest that this variant may disrupt the consensus splice site. In summary, the available evidence is currently insufficient to determine the role of this variant in disease. Therefore, it has been classified as a Variant of Uncertain Significance.